The following is an entry in ClinVar:

ClinVar aggregate classification (germline): Uncertain significance. Review status: criteria provided, multiple submitters, no conflicts (2 of 4 stars). 2 submissions from 2 submitters: Uncertain significance (2). Last evaluated 2025-10-01.

Conditions:
Ehlers-Danlos syndrome, classic type, 1 (EDSCL1). Also called: EHLERS-DANLOS SYNDROME, GRAVIS TYPE; EHLERS-DANLOS SYNDROME, SEVERE CLASSIC TYPE; Ehlers-Danlos syndrome, type 1; Ehlers-Danlos Syndrome, Classic Type, COL5A1-Related; EDS I. Identifiers: MedGen C0268335, MONDO:0019567, OMIM 130000.
Osteogenesis imperfecta type I (OI1). Also called: OI, TYPE I; OSTEOGENESIS IMPERFECTA TARDA; OSTEOGENESIS IMPERFECTA WITH BLUE SCLERAE; Osteogenesis imperfecta type 1; Lobstein's Disease; Lobstein disease. Identifiers: Orphanet 216796, Orphanet 666, MedGen C0023931, MONDO:0008146, OMIM 166200. Disease mechanism: loss of function.

Submissions (2):

Women's Health and Genetics/Laboratory Corporation of America, LabCorp
Classification: Uncertain significance. Last evaluated: 2025-10-01. Review status: criteria provided, single submitter. Criteria: LabCorp Variant Classification Summary - May 2015. Collection method: clinical testing. Allele origin: germline.
Comment: Variant summary: COL1A2 c.601C>A (p.Pro201Thr) results in a non-conservative amino acid change in the encoded protein sequence. Algorithms developed to predict the effect of missense changes on protein structure and function all suggest that this variant is likely to be disruptive. The variant was absent in 251336 control chromosomes (gnomAD). The available data on variant occurrences in the general population are insufficient to allow any conclusion about variant significance. c.601C>A has been observed in one individual affected with Ehlers-Danlos syndrome (Junkiert-Czarnecka_2022). The report does not provide unequivocal conclusions about association of the variant with Ehlers-Danlos syndrome, cardiac valvular type. To our knowledge, no experimental evidence demonstrating an impact on protein function has been reported. The following publication have been ascertained in the context of this evaluation (PMID: 35723357). No submitters have cited clinical-significance assessments for this variant to ClinVar. Based on the evidence outlined above, the variant was classified as uncertain significance.

Labcorp Genetics (formerly Invitae), Labcorp
Classification: Uncertain significance for Osteogenesis imperfecta type I; Ehlers-Danlos syndrome, classic type, 1. Last evaluated: 2025-09-02. Review status: criteria provided, single submitter. Criteria: Invitae Variant Classification Sherloc (09022015). Collection method: clinical testing. Allele origin: germline.
Comment: This sequence change replaces proline, which is neutral and non-polar, with threonine, which is neutral and polar, at codon 201 of the COL1A2 protein (p.Pro201Thr). This variant is not present in population databases (gnomAD no frequency). This missense change has been observed in individual(s) with clinical features of Ehlers-Danlos syndrome (PMID: 35723357). Invitae Evidence Modeling of protein sequence and biophysical properties (such as structural, functional, and spatial information, amino acid conservation, physicochemical variation, residue mobility, and thermodynamic stability) indicates that this missense variant is not expected to disrupt COL1A2 protein function with a negative predictive value of 95%. In summary, the available evidence is currently insufficient to determine the role of this variant in disease. Therefore, it has been classified as a Variant of Uncertain Significance.

Literature cited by the submitters: PubMed 35723357 (cited by Women's Health and Genetics/Laboratory Corporation of America, LabCorp and Labcorp Genetics (formerly Invitae), Labcorp).

NM_000089.4(COL1A2):c.601C>A (p.Pro201Thr)

Gene: COL1A2 (collagen type I alpha 2 chain; plus strand). Cytogenetic location: 7q21.3.
Variant type: single nucleotide variant.
Coding change: c.601C>A on transcript NM_000089.4 (MANE Select); coding-DNA position 601, C replaced by A.
Protein change: p.Pro201Thr; replaces proline 201 with threonine.
Molecular consequence: missense variant.
Genome position (GRCh38, 1-based): chr7:94,407,853, C>A. VCF-style: chr7-94407853-C-A. GRCh37 (hg19) VCF-style: chr7-94037165-C-A.
Other names: short protein forms P201T.
Identifiers: ClinVar variation 4687630 (VCV004687630.2).